The following is an entry in ClinVar:

NM_014712.3(SETD1A):c.1265A>G (p.Asp422Gly)

Gene: SETD1A (SET domain containing 1A, histone lysine methyltransferase; plus strand). Cytogenetic location: 16p11.2.
Variant type: single nucleotide variant.
Coding change: c.1265A>G on transcript NM_014712.3 (MANE Select); coding-DNA position 1265, A replaced by G.
Protein change: p.Asp422Gly; replaces aspartic acid 422 with glycine.
Molecular consequence: missense variant.
Genome position (GRCh38, 1-based): chr16:30,965,007, A>G. VCF-style: chr16-30965007-A-G. GRCh37 (hg19) VCF-style: chr16-30976328-A-G.
Other names: short protein forms D422G.
Identifiers: ClinVar variation 2576649 (VCV002576649.1), dbSNP rs2543855600, ClinGen allele CA395653740.
Genomic context (GRCh38, chr16:30,965,007, plus strand): 5'-CTGAGCGCTTCCCACCTTCTTACACCTCCTACCTGCCCCCCGAGCCCAGCCGGCCCACCG[A>G]CCAGGACTACCGGCCTCCTGCCTCAGAGGCTCCACCCCCGGAGCCTCCAGAACCTGGTGG-3'
Protein context (NP_055527.1, residues 412-432): YLPPEPSRPT[Asp422Gly]QDYRPPASEA

ClinVar aggregate classification (germline): Uncertain significance (1 of 4 stars; one submission).

Submission:

GeneDx
Classification: Uncertain significance. Last evaluated: 2023-02-15. Review status: criteria provided, single submitter. Criteria: GeneDx Variant Classification Process June 2021. Collection method: clinical testing. Allele origin: germline. Affected: yes.
Comment: Not observed at significant frequency in large population cohorts (gnomAD); In silico analysis supports that this missense variant does not alter protein structure/function; Has not been previously published as pathogenic or benign to our knowledge